The following is an entry in ClinVar:

NM_024675.4(PALB2):c.975T>G (p.Ile325Met)

Gene: PALB2 (partner and localizer of BRCA2; minus strand). Cytogenetic location: 16p12.2.
Variant type: single nucleotide variant.
Coding change: c.975T>G on transcript NM_024675.4 (MANE Select); coding-DNA position 975, T replaced by G.
Protein change: p.Ile325Met; replaces isoleucine 325 with methionine.
Molecular consequence: missense variant.
Genome position (GRCh38, 1-based): chr16:23,635,571, A>C on the plus strand (T>G on the coding strand, the complement: PALB2 is on the minus strand). VCF-style: chr16-23635571-A-C. GRCh37 (hg19) VCF-style: chr16-23646892-A-C.
Other names: short protein forms I325M.
Identifiers: ClinVar variation 925959 (VCV000925959.4), dbSNP rs1967005065, ClinGen allele CA395134811.

ClinVar aggregate classification (germline): Uncertain significance (1 of 4 stars; one submission).

Conditions:
Hereditary cancer-predisposing syndrome. Also called: Neoplastic Syndromes, Hereditary; Tumor predisposition; Hereditary Cancer Syndrome; Hereditary neoplastic syndrome. Identifiers: Orphanet 140162, MedGen C0027672, MeSH D009386, MONDO:0015356.

Submission:

Color Diagnostics, LLC DBA Color Health
Classification: Uncertain significance for Hereditary cancer-predisposing syndrome. Last evaluated: 2023-12-04. Review status: criteria provided, single submitter. Criteria: ACMG Guidelines, 2015. Collection method: clinical testing. Allele origin: germline.
Comment: This missense variant replaces isoleucine with methionine at codon 325 of the PALB2 protein. Computational prediction suggests that this variant may not impact protein structure and function (internally defined REVEL score threshold <= 0.5, PMID: 27666373). To our knowledge, functional studies have not been reported for this variant. This variant has not been reported in individuals affected with PALB2-related disorders in the literature. This variant has not been identified in the general population by the Genome Aggregation Database (gnomAD). The available evidence is insufficient to determine the role of this variant in disease conclusively. Therefore, this variant is classified as a Variant of Uncertain Significance.